The following is an entry in ClinVar:

ClinVar aggregate classification (germline): Uncertain significance (1 of 4 stars; one submission).

Allele frequency attached by ClinVar (database versions not stated): TOPMed below 0.00001.

Submission:

Labcorp Genetics (formerly Invitae), Labcorp
Classification: Uncertain significance. Last evaluated: 2022-03-09. Review status: criteria provided, single submitter. Criteria: Invitae Variant Classification Sherloc (09022015). Collection method: clinical testing. Allele origin: germline.
Comment: This sequence change replaces arginine, which is basic and polar, with lysine, which is basic and polar, at codon 150 of the MTTP protein (p.Arg150Lys). This variant is not present in population databases (gnomAD no frequency). This variant has not been reported in the literature in individuals affected with MTTP-related conditions. Algorithms developed to predict the effect of missense changes on protein structure and function (SIFT, PolyPhen-2, Align-GVGD) all suggest that this variant is likely to be tolerated. In summary, the available evidence is currently insufficient to determine the role of this variant in disease. Therefore, it has been classified as a Variant of Uncertain Significance.

NM_001386140.1(MTTP):c.449G>A (p.Arg150Lys)

Gene: MTTP (microsomal triglyceride transfer protein; plus strand). Cytogenetic location: 4q23.
Variant type: single nucleotide variant.
Coding change: c.449G>A on transcript NM_001386140.1 (MANE Select); coding-DNA position 449, G replaced by A.
Protein change: p.Arg150Lys; replaces arginine 150 with lysine.
Molecular consequence: missense variant.
Genome position (GRCh38, 1-based): chr4:99,589,698, G>A. VCF-style: chr4-99589698-G-A. GRCh37 (hg19) VCF-style: chr4-100510855-G-A.
Other names: c.449G>A, p.Arg150Lys (NM_000253.4); c.200G>A, p.Arg67Lys (NM_001300785.2); short protein forms R150K, R67K.
Identifiers: ClinVar variation 1408411 (VCV001408411.3), dbSNP rs1725367017, ClinGen allele CA357503627.